The following is an entry in ClinVar:

NM_000135.4(FANCA):c.3366C>G (p.His1122Gln)

Gene: FANCA (FA complementation group A; minus strand). Cytogenetic location: 16q24.3.
Variant type: single nucleotide variant.
Coding change: c.3366C>G on transcript NM_000135.4 (MANE Select); coding-DNA position 3366, C replaced by G.
Protein change: p.His1122Gln; replaces histidine 1122 with glutamine.
Molecular consequence: missense variant.
Genome position (GRCh38, 1-based): chr16:89,746,873, G>C on the plus strand (C>G on the coding strand, the complement: FANCA is on the minus strand). VCF-style: chr16-89746873-G-C. GRCh37 (hg19) VCF-style: chr16-89813281-G-C.
Other names: c.3366C>G, p.His1122Gln (NM_001286167.3); short protein forms H1122Q.
Identifiers: ClinVar variation 4824595 (VCV004824595.1).
Genomic context (GRCh38, chr16:89,746,873, plus strand): 5'-GCTGAGGGAGCATCTCACCCTGAAGAAGTGGGCAGTGATGTCCTGTGTCAGGGCACCTCC[G>C]TGGGAGCAGAAGTTTCTCTGCAAAAGAGTTCAAGGCAGGTAAGAAAAGCCCACAGGAAGA-3'
Protein context (NP_000126.2, residues 1112-1132): VNSEMRNFCS[His1122Gln]GGALTQDITA

ClinVar aggregate classification (germline): Uncertain significance (1 of 4 stars; one submission).

Conditions:
Inborn genetic diseases. Identifiers: MedGen C0950123, MeSH D030342.

gnomAD v4.1: 1 of 1,558,664 alleles (0.000064%); highest among the groups gnomAD compares: Admixed American, 0.0019%; no homozygotes.

Submission:

Ambry Genetics
Classification: Uncertain significance for Inborn genetic diseases. Last evaluated: 2026-01-26. Review status: criteria provided, single submitter. Criteria: Ambry Variant Classification Scheme 2023. Collection method: clinical testing. Allele origin: germline.
Comment: The p.H1122Q variant (also known as c.3366C>G), located in coding exon 34 of the FANCA gene, results from a C to G substitution at nucleotide position 3366. The histidine at codon 1122 is replaced by glutamine, an amino acid with highly similar properties. This amino acid position is conserved. In addition, this alteration is predicted to be tolerated by in silico analysis. Based on the available evidence, the clinical significance of this variant remains unclear.